The following is an entry in ClinVar:

ClinVar aggregate classification (germline): Benign (1 of 4 stars; one submission).

Allele frequency attached by ClinVar (database versions not stated): ExAC 0.45573; gnomAD 0.45870; 1000 Genomes Project 0.94409.

Submission:

Unidad de Genómica Garrahan, Hospital de Pediatría Garrahan
Classification: Benign. Last evaluated: 2024-01-24. Review status: criteria provided, single submitter. Criteria: ACMG Guidelines, 2015. Collection method: clinical testing. Allele origin: germline. Affected: no. Observed: 54 variant alleles.
Comment: This variant is classified as Benign based on local population frequency. This variant was detected in 57% of patients studied by a panel of primary immunodeficiencies. Number of patients: 54. Only high quality variants are reported.

NM_147686.4(TRAF3IP2):c.1201+50T>C

Genes: TRAF3IP2 (TRAF3 interacting protein 2; minus strand), TRAF3IP2-AS1 (TRAF3IP2 antisense RNA 1; plus strand). Cytogenetic location: 6q21.
Variant type: single nucleotide variant.
Coding change: c.1201+50T>C on transcript NM_147686.4 (MANE Select); 50 bases into the intron after coding-DNA position 1201, T replaced by C.
Molecular consequence: intron variant.
Genome position (GRCh38, 1-based): chr6:111,575,593, A>G on the plus strand (T>C on the coding strand, the complement: TRAF3IP2 is on the minus strand). VCF-style: chr6-111575593-A-G. GRCh37 (hg19) VCF-style: chr6-111896796-A-G.
Other names: c.1201+50T>C (NM_001164281.3); c.1228+50T>C (NM_147200.3).
Identifiers: ClinVar variation 2688083 (VCV002688083.2), dbSNP rs373128911, ClinGen allele CA3963156.